The following is an entry in ClinVar:

ClinVar aggregate classification (germline): Uncertain significance. Review status: criteria provided, multiple submitters, no conflicts (2 of 4 stars). 3 submissions from 3 submitters: Uncertain significance (2). 1 of the submissions does not count toward it. Last evaluated 2025-11-13.

Conditions:
MAGEL2-related disorder. Also called: MAGEL2-related condition.
Inborn genetic diseases. Identifiers: MedGen C0950123, MeSH D030342.

Allele frequency attached by ClinVar (database versions not stated): ExAC 0.00002; ESP Exome Variant Server 0.00008.

Submissions (3):

Labcorp Genetics (formerly Invitae), Labcorp
Classification: Uncertain significance. Last evaluated: 2025-11-13. Review status: criteria provided, single submitter. Criteria: Invitae Variant Classification Sherloc (09022015). Collection method: clinical testing. Allele origin: germline.
Comment: This sequence change replaces glutamic acid, which is acidic and polar, with aspartic acid, which is acidic and polar, at codon 676 of the MAGEL2 protein (p.Glu676Asp). The frequency data for this variant in the population databases is considered unreliable, as metrics indicate poor data quality at this position in the gnomAD database. This variant has not been reported in the literature in individuals affected with MAGEL2-related conditions. ClinVar contains an entry for this variant (Variation ID: 2187440). Invitae Evidence Modeling of protein sequence and biophysical properties (such as structural, functional, and spatial information, amino acid conservation, physicochemical variation, residue mobility, and thermodynamic stability) has been performed for this missense variant. However, the output from this modeling did not meet the statistical confidence thresholds required to predict the impact of this variant on MAGEL2 protein function. In summary, the available evidence is currently insufficient to determine the role of this variant in disease. Therefore, it has been classified as a Variant of Uncertain Significance.

Ambry Genetics
Classification: Uncertain significance for Inborn genetic diseases. Last evaluated: 2025-05-25. Review status: criteria provided, single submitter. Criteria: Ambry Variant Classification Scheme 2023. Collection method: clinical testing. Allele origin: germline.

PreventionGenetics, part of Exact Sciences
Classification: Uncertain significance for MAGEL2-related condition. Last evaluated: 2024-09-15. Review status: no assertion criteria provided. Collection method: clinical testing. Allele origin: germline. Not counted in ClinVar's aggregate classification.
Comment: The MAGEL2 c.2028G>T variant is predicted to result in the amino acid substitution p.Glu676Asp. To our knowledge, this variant has not been reported in the literature. This variant is reported in 0.0075% of alleles in individuals of Latino descent in gnomAD. At this time, the clinical significance of this variant is uncertain due to the absence of conclusive functional and genetic evidence.

NM_019066.5(MAGEL2):c.2028G>T (p.Glu676Asp)

Gene: MAGEL2 (MAGE family member L2; minus strand). Cytogenetic location: 15q11.2.
Variant type: single nucleotide variant.
Coding change: c.2028G>T on transcript NM_019066.5 (MANE Select); coding-DNA position 2028, G replaced by T.
Protein change: p.Glu676Asp; replaces glutamic acid 676 with aspartic acid.
Molecular consequence: missense variant.
Genome position (GRCh38, 1-based): chr15:23,645,715, C>A on the plus strand (G>T on the coding strand, the complement: MAGEL2 is on the minus strand). VCF-style: chr15-23645715-C-A. GRCh37 (hg19) VCF-style: chr15-23890862-C-A.
Other names: c.2028G>T (NM_019066.4); short protein forms E676D.
Identifiers: ClinVar variation 2187440 (VCV002187440.8), dbSNP rs369695361, ClinGen allele CA7429974.